The following is an entry in ClinVar:

NM_000489.6(ATRX):c.7230G>T (p.Met2410Ile)

Gene: ATRX (ATRX chromatin remodeler; minus strand). Cytogenetic location: Xq21.1.
Variant type: single nucleotide variant.
Coding change: c.7230G>T on transcript NM_000489.6 (MANE Select); coding-DNA position 7230, G replaced by T.
Protein change: p.Met2410Ile; replaces methionine 2410 with isoleucine.
Molecular consequence: missense variant.
Genome position (GRCh38, 1-based): chrX:77,508,600, C>A on the plus strand (G>T on the coding strand, the complement: ATRX is on the minus strand). VCF-style: chrX-77508600-C-A. GRCh37 (hg19) VCF-style: chrX-76764078-C-A.
Other names: c.7116G>T, p.Met2372Ile (NM_138270.5); short protein forms M2372I, M2410I.
Identifiers: ClinVar variation 4882459 (VCV004882459.2).
Genomic context (GRCh38, chrX:77,508,600, plus strand): 5'-TTGTTGATAAGTCATTTGTTGCTGTTGCTGCTGATTGTACTGCTGCTGGAGCCTTCTGTT[C>A]ATAAGTATTCGCTGAACACAGCTGATTAACTATAGAGAAAAAATGGGAGTCATTACAAGT-3'
Protein context (NP_000480.3, residues 2400-2420): MLISCVQRIL[Met2410Ile]NRRLQQQYNQ

ClinVar aggregate classification (germline): Uncertain significance (1 of 4 stars; one submission).

Submission:

Dasa
Classification: Uncertain significance. Last evaluated: 2025-06-27. Review status: criteria provided, single submitter. Criteria: DASA Assertion Criteria. Collection method: clinical testing. Allele origin: germline.
Comment: NM_000489.6(ATRX):c.7230G>T (p.Met2410Ile) is a missense variant that results in the substitution of methionine with isoleucine. This variant is absent from population databases. The currently available literature and clinical evidence are not sufficient to establish a definitive association between this variant and the reported condition. Therefore, this variant is classified as a variant of uncertain significance.